The following is an entry in ClinVar:

ClinVar aggregate classification (germline): Uncertain significance (1 of 4 stars; one submission).

Submission:

Labcorp Genetics (formerly Invitae), Labcorp
Classification: Uncertain significance. Last evaluated: 2025-11-19. Review status: criteria provided, single submitter. Criteria: Invitae Variant Classification Sherloc (09022015). Collection method: clinical testing. Allele origin: germline.
Comment: This sequence change replaces glycine, which is neutral and non-polar, with aspartic acid, which is acidic and polar, at codon 704 of the MYO6 protein (p.Gly704Asp). This variant is not present in population databases (gnomAD no frequency). This missense change has been observed in individual(s) with deafness (PMID: 26346818, 32143290). Invitae Evidence Modeling of protein sequence and biophysical properties (such as structural, functional, and spatial information, amino acid conservation, physicochemical variation, residue mobility, and thermodynamic stability) indicates that this missense variant is expected to disrupt MYO6 protein function with a positive predictive value of 80%. Experimental studies have shown that this missense change affects MYO6 function (PMID: 32143290). In summary, the available evidence is currently insufficient to determine the role of this variant in disease. Therefore, it has been classified as a Variant of Uncertain Significance.

Literature cited by the submitters: PubMed 26346818; PubMed 32143290.

NM_004999.4(MYO6):c.2111G>A (p.Gly704Asp)

Gene: MYO6 (myosin VI; plus strand). Cytogenetic location: 6q14.1.
Variant type: single nucleotide variant.
Coding change: c.2111G>A on transcript NM_004999.4 (MANE Select); coding-DNA position 2111, G replaced by A.
Protein change: p.Gly704Asp; replaces glycine 704 with aspartic acid.
Molecular consequence: missense variant. On other transcripts: non-coding transcript variant (1).
Genome position (GRCh38, 1-based): chr6:75,879,853, G>A. VCF-style: chr6-75879853-G-A. GRCh37 (hg19) VCF-style: chr6-76589570-G-A.
Other names: c.2111G>A, p.Gly704Asp (NM_001300899.2, NM_001368136.1, NM_001368137.1 and 2 more transcripts); c.2096G>A, p.Gly699Asp (NM_001368138.1); short protein forms G699D, G704D.
Identifiers: ClinVar variation 4747522 (VCV004747522.1).